The following is an entry in ClinVar:

NM_017813.5(BPNT2):c.*782G>A

Gene: BPNT2 (3'(2'), 5'-bisphosphate nucleotidase 2; minus strand). Cytogenetic location: 8q12.1.
Variant type: single nucleotide variant.
Coding change: c.*782G>A on transcript NM_017813.5 (MANE Select); 782 bases downstream of the stop codon, G replaced by A.
Molecular consequence: 3 prime UTR variant.
Genome position (GRCh38, 1-based): chr8:56,963,011, C>T on the plus strand (G>A on the coding strand, the complement: BPNT2 is on the minus strand). VCF-style: chr8-56963011-C-T. GRCh37 (hg19) VCF-style: chr8-57875570-C-T.
Identifiers: ClinVar variation 363391 (VCV000363391.6), dbSNP rs1046643, ClinGen allele CA10628043.

ClinVar aggregate classification (germline): Benign. Review status: criteria provided, multiple submitters, no conflicts (2 of 4 stars). 2 submissions from 2 submitters: Benign (2). Last evaluated 2018-01-13.

Conditions:
Chondrodysplasia with joint dislocations, gPAPP type. Also called: GPAPP DEFICIENCY. Identifiers: Orphanet 280586, MedGen C3279757, MONDO:0013561, OMIM 614078.

Allele frequency attached by ClinVar (database versions not stated): gnomAD exomes 0.05000; gnomAD 0.06897; TOPMed 0.07336; 1000 Genomes Project 30x 0.09822; 1000 Genomes Project 0.09924.
gnomAD v4.1: 10,191 of 152,272 alleles (6.7%); highest among the groups gnomAD compares: East Asian, 27%; 558 homozygotes.

Submissions (2):

Illumina Laboratory Services, Illumina
Classification: Benign for Chondrodysplasia with joint dislocations, gPAPP type. Last evaluated: 2018-01-13. Review status: criteria provided, single submitter. Criteria: ICSL Variant Classification Criteria 13 December 2019. Collection method: clinical testing. Allele origin: germline.
Comment: This variant was observed in the ICSL laboratory as part of a predisposition screen in an ostensibly healthy population. It had not been previously curated by ICSL or reported in the Human Gene Mutation Database (HGMD: prior to June 1st, 2018), and was therefore a candidate for classification through an automated scoring system. Utilizing variant allele frequency, disease prevalence and penetrance estimates, and inheritance mode, an automated score was calculated to assess if this variant is too frequent to cause the disease. Based on the score and internal cut-off values, a variant classified as benign is not then subjected to further curation. The score for this variant resulted in a classification of benign for this disease.

Breakthrough Genomics
Classification: Benign. Review status: criteria provided, single submitter. Criteria: ACMG Guidelines, 2015. Collection method: not provided. Allele origin: germline. Inheritance: Autosomal recessive inheritance. Affected: yes.